The following is an entry in ClinVar:

ClinVar aggregate classification (germline): Uncertain significance (1 of 4 stars; one submission).

Conditions:
Duchenne muscular dystrophy (DMD). Also called: MUSCULAR DYSTROPHY, PSEUDOHYPERTROPHIC PROGRESSIVE, DUCHENNE TYPE; Duchenne Muscular Dystrophy (DMD). Identifiers: Orphanet 98896, MedGen C0013264, MONDO:0010679, OMIM 310200.

Submission:

Labcorp Genetics (formerly Invitae), Labcorp
Classification: Uncertain significance for Duchenne muscular dystrophy. Last evaluated: 2021-11-10. Review status: criteria provided, single submitter. Criteria: Invitae Variant Classification Sherloc (09022015). Collection method: clinical testing. Allele origin: germline.
Comment: In summary, the available evidence is currently insufficient to determine the role of this variant in disease. Therefore, it has been classified as a Variant of Uncertain Significance. Algorithms developed to predict the effect of missense changes on protein structure and function (SIFT, PolyPhen-2, Align-GVGD) all suggest that this variant is likely to be disruptive. This variant has not been reported in the literature in individuals affected with DMD-related conditions. This variant is not present in population databases (gnomAD no frequency). This sequence change replaces glutamic acid, which is acidic and polar, with glutamine, which is neutral and polar, at codon 65 of the DMD protein (p.Glu65Gln).

NM_004006.3(DMD):c.193G>C (p.Glu65Gln)

Gene: DMD (dystrophin; minus strand). Cytogenetic location: Xp21.1.
Variant type: single nucleotide variant.
Coding change: c.193G>C on transcript NM_004006.3 (MANE Select); coding-DNA position 193, G replaced by C.
Protein change: p.Glu65Gln; replaces glutamic acid 65 with glutamine.
Molecular consequence: missense variant. On other transcripts: 5 prime UTR variant (1).
Genome position (GRCh38, 1-based): chrX:32,844,854, C>G on the plus strand (G>C on the coding strand, the complement: DMD is on the minus strand). VCF-style: chrX-32844854-C-G. GRCh37 (hg19) VCF-style: chrX-32862971-C-G.
Other names: c.169G>C, p.Glu57Gln (NM_000109.4); c.181G>C, p.Glu61Gln (NM_004009.3); c.-177G>C (NM_004010.3); short protein forms E57Q, E61Q, E65Q.
Identifiers: ClinVar variation 1350549 (VCV001350549.6), dbSNP rs2148984839, ClinGen allele CA412674782.
Genomic context (GRCh38, chrX:32,844,854, plus strand): 5'-GCAAAACCCGCAGTGCCTTGTTGACATTGTTCAGGGCATGAACTCTTGTGGATCCTTTTT[C>G]TTTTGGCTGAGAACAAAACAAAAGAGTGTTCACTGACCAGCAGAGAGACCGACAATCTAC-3'
Protein context (NP_003997.2, residues 55-75): EGLTGQKLPK[Glu65Gln]KGSTRVHALN